The following is an entry in ClinVar:

NM_014264.5(PLK4):c.1724G>T (p.Gly575Val)

Gene: PLK4 (polo like kinase 4; plus strand). Cytogenetic location: 4q28.1.
Variant type: single nucleotide variant.
Coding change: c.1724G>T on transcript NM_014264.5 (MANE Select); coding-DNA position 1724, G replaced by T.
Protein change: p.Gly575Val; replaces glycine 575 with valine.
Molecular consequence: missense variant.
Genome position (GRCh38, 1-based): chr4:127,890,130, G>T. VCF-style: chr4-127890130-G-T. GRCh37 (hg19) VCF-style: chr4-128811285-G-T.
Other names: c.1628G>T, p.Gly543Val (NM_001190799.2); c.1601G>T, p.Gly534Val (NM_001190801.2); short protein forms G534V, G543V, G575V.
Identifiers: ClinVar variation 1003836 (VCV001003836.3), dbSNP rs774028113, ClinGen allele CA3076829.

ClinVar aggregate classification (germline): Uncertain significance (1 of 4 stars; one submission).

Allele frequency attached by ClinVar (database versions not stated): TOPMed 0.00002; ExAC 0.00003; gnomAD exomes 0.00005.
gnomAD v4.1: 17 of 1,613,732 alleles (0.0011%); highest among the groups gnomAD compares: Admixed American, 0.025%; no homozygotes.

Submission:

Labcorp Genetics (formerly Invitae), Labcorp
Classification: Uncertain significance. Last evaluated: 2022-08-18. Review status: criteria provided, single submitter. Criteria: Invitae Variant Classification Sherloc (09022015). Collection method: clinical testing. Allele origin: germline.
Comment: In summary, the available evidence is currently insufficient to determine the role of this variant in disease. Therefore, it has been classified as a Variant of Uncertain Significance. Algorithms developed to predict the effect of sequence changes on RNA splicing suggest that this variant may disrupt the consensus splice site. Algorithms developed to predict the effect of missense changes on protein structure and function are either unavailable or do not agree on the potential impact of this missense change (SIFT: "Deleterious"; PolyPhen-2: "Benign"; Align-GVGD: "Class C0"). ClinVar contains an entry for this variant (Variation ID: 1003836). This variant has not been reported in the literature in individuals affected with PLK4-related conditions. This variant is present in population databases (rs774028113, gnomAD 0.04%). This sequence change replaces glycine, which is neutral and non-polar, with valine, which is neutral and non-polar, at codon 575 of the PLK4 protein (p.Gly575Val).